The following is an entry in ClinVar:

ClinVar aggregate classification (germline): Uncertain significance. Review status: criteria provided, multiple submitters, no conflicts (2 of 4 stars). 2 submissions from 2 submitters: Uncertain significance (2). Last evaluated 2025-05-08.

Conditions:
Hereditary pancreatitis (PCTT). Also called: PRSS1-Related Hereditary Pancreatitis; Hereditary chronic pancreatitis. Identifiers: Orphanet 676, MedGen C0238339, MONDO:0008185, OMIM 167800.

Allele frequency attached by ClinVar (database versions not stated): ExAC 0.00002; gnomAD exomes 0.00002; TOPMed 0.00002; gnomAD 0.00003.
gnomAD v4.1: 30 of 1,614,060 alleles (0.0019%); highest among the groups gnomAD compares: East Asian, 0.0089%; no homozygotes.

Submissions (2):

Ambry Genetics
Classification: Uncertain significance for Hereditary pancreatitis. Last evaluated: 2025-05-08. Review status: criteria provided, single submitter. Criteria: Ambry Variant Classification Scheme 2023. Collection method: clinical testing. Allele origin: germline.
Comment: The p.T176M variant (also known as c.527C>T), located in coding exon 5 of the CPA1 gene, results from a C to T substitution at nucleotide position 527. The threonine at codon 176 is replaced by methionine, an amino acid with similar properties. This alteration was identified in a cohort of pancreatic cancer patients undergoing whole exome sequencing (Yang XR et al. Hum Genet, 2016 Nov;135:1241-1249). This amino acid position is highly conserved in available vertebrate species. In addition, the in silico prediction for this alteration is inconclusive. Since supporting evidence is limited at this time, the clinical significance of this alteration remains unclear.

Labcorp Genetics (formerly Invitae), Labcorp
Classification: Uncertain significance. Last evaluated: 2025-04-19. Review status: criteria provided, single submitter. Criteria: Invitae Variant Classification Sherloc (09022015). Collection method: clinical testing. Allele origin: germline.
Comment: This sequence change replaces threonine, which is neutral and polar, with methionine, which is neutral and non-polar, at codon 176 of the CPA1 protein (p.Thr176Met). This variant is present in population databases (rs782190459, gnomAD 0.003%). This missense change has been observed in individual(s) with idiopathic chronic pancreatitis (PMID: 28497564). ClinVar contains an entry for this variant (Variation ID: 1037142). Invitae Evidence Modeling of protein sequence and biophysical properties (such as structural, functional, and spatial information, amino acid conservation, physicochemical variation, residue mobility, and thermodynamic stability) indicates that this missense variant is expected to disrupt CPA1 protein function with a positive predictive value of 80%. In summary, the available evidence is currently insufficient to determine the role of this variant in disease. Therefore, it has been classified as a Variant of Uncertain Significance.

Literature cited by the submitters: PubMed 27449771 (cited by Ambry Genetics); PubMed 28497564 (cited by Ambry Genetics and Labcorp Genetics (formerly Invitae), Labcorp).

NM_001868.4(CPA1):c.527C>T (p.Thr176Met)

Gene: CPA1 (carboxypeptidase A1; plus strand). Cytogenetic location: 7q32.2.
Variant type: single nucleotide variant.
Coding change: c.527C>T on transcript NM_001868.4 (MANE Select); coding-DNA position 527, C replaced by T.
Protein change: p.Thr176Met; replaces threonine 176 with methionine.
Molecular consequence: missense variant.
Genome position (GRCh38, 1-based): chr7:130,383,434, C>T. VCF-style: chr7-130383434-C-T. GRCh37 (hg19) VCF-style: chr7-130023275-C-T.
Other names: short protein forms T176M.
Identifiers: ClinVar variation 1037142 (VCV001037142.12), dbSNP rs782190459, ClinGen allele CA4484829.